The following is an entry in ClinVar:

ClinVar aggregate classification (germline): Pathogenic/Likely pathogenic. Review status: criteria provided, multiple submitters, no conflicts (2 of 4 stars). 3 submissions from 3 submitters: Pathogenic (1); Likely pathogenic (2). Last evaluated 2025-08-11.

Conditions:
Hemochromatosis type 2A (HFE2A). Also called: Adult-Onset Hemochromatosis; HJV (HFE2)-Related Juvenile Hemochromatosis. Identifiers: Orphanet 79230, MedGen C1865614, MONDO:0011216, OMIM 602390.

Submissions (3):

Natera, Inc.
Classification: Likely pathogenic for Hemochromatosis type 2A. Last evaluated: 2025-08-11. Review status: criteria provided, single submitter. Criteria: Natera Variant Classification Schema (03/2026). Collection method: clinical testing. Allele origin: germline.
Comment: The c.399delC variant in HJV is a frameshift variant predicted to shift the reading frame beginning at codon 134 and leads to a stop codon 112 codons downstream. This variant is expected to result in nonsense mediated decay, truncation, or a dysfunctional protein product. This variant is rare in the general population with a frequency below the threshold expected for the associated phenotype(s). Given the available evidence, this variant is classified as Likely Pathogenic.

Labcorp Genetics (formerly Invitae), Labcorp
Classification: Pathogenic. Last evaluated: 2024-05-09. Review status: criteria provided, single submitter. Criteria: Invitae Variant Classification Sherloc (09022015). Collection method: clinical testing. Allele origin: germline.
Comment: This sequence change creates a premature translational stop signal (p.Ala134Profs*112) in the HJV gene. While this is not anticipated to result in nonsense mediated decay, it is expected to disrupt the last 293 amino acid(s) of the HJV protein. This variant is not present in population databases (gnomAD no frequency). This variant has not been reported in the literature in individuals affected with HJV-related conditions. ClinVar contains an entry for this variant (Variation ID: 2084916). This variant disrupts a region of the HJV protein in which other variant(s) (p.Arg385*) have been determined to be pathogenic (PMID: 14982873, 30389309). This suggests that this is a clinically significant region of the protein, and that variants that disrupt it are likely to be disease-causing. For these reasons, this variant has been classified as Pathogenic.

Revvity Omics, Revvity
Classification: Likely pathogenic for Hemochromatosis type 2A. Last evaluated: 2021-12-27. Review status: criteria provided, single submitter. Criteria: ACMG Guidelines, 2015. Collection method: clinical testing. Allele origin: germline.

Literature cited by the submitters: PubMed 14982873 (cited by Labcorp Genetics (formerly Invitae), Labcorp); PubMed 30389309 (cited by Labcorp Genetics (formerly Invitae), Labcorp).

NM_213653.4(HJV):c.399del (p.Ala134fs)

Gene: HJV (hemojuvelin BMP co-receptor; minus strand). Cytogenetic location: 1q21.1.
Variant type: Deletion.
Coding change: c.399del on transcript NM_213653.4 (MANE Select); coding-DNA position 399, one base deleted (C; older notation c.399delC).
Protein change: p.Ala134fs; shifts the reading frame from alanine 134.
Molecular consequence: frameshift variant. On other transcripts: intron variant (3).
Genome position (GRCh38, 1-based): chr1:146,019,433, G deleted on the plus strand (C on the coding strand, the reverse complement: HJV is on the minus strand); the first of 4 consecutive G bases (chr1:146,019,433-146,019,436); deleting any one gives the same sequence. VCF-style (leftmost placement, unchanged base first): chr1-146019432-CG-C. GRCh37 (hg19) VCF-style: chr1-145415576-GC-G.
Other names: c.399del (NM_213653.3); c.399del, p.Ala134fs (NM_001379352.1); c.60del, p.Ala21fs (NM_145277.5); c.-21-733del (NM_213652.4); c.-22+265del (NM_202004.4, NM_001316767.2); c.399delC (NM_213653.3); short protein forms A134fs, A21fs.
Identifiers: ClinVar variation 2084916 (VCV002084916.8), dbSNP rs1652568567, ClinGen allele CA1007114311.